The following is an entry in ClinVar:

ClinVar aggregate classification (germline): Uncertain significance (1 of 4 stars; one submission).

Conditions:
Baller-Gerold syndrome (BGS). Also called: CRANIOSYNOSTOSIS WITH RADIAL DEFECTS. Identifiers: Orphanet 1225, MedGen C0265308, MONDO:0009039, OMIM 218600.

Submission:

Labcorp Genetics (formerly Invitae), Labcorp
Classification: Uncertain significance for Baller-Gerold syndrome. Last evaluated: 2020-09-09. Review status: criteria provided, single submitter. Criteria: Invitae Variant Classification Sherloc (09022015). Collection method: clinical testing. Allele origin: germline.
Comment: This variant has not been reported in the literature in individuals with RECQL4-related conditions. In summary, the available evidence is currently insufficient to determine the role of this variant in disease. Therefore, it has been classified as a Variant of Uncertain Significance. Experimental studies and prediction algorithms are not available or were not evaluated, and the functional significance of this variant is currently unknown. This variant is not present in population databases (ExAC no frequency). This sequence change replaces isoleucine with phenylalanine at codon 496 of the RECQL4 protein (p.Ile496Phe). The isoleucine residue is moderately conserved and there is a small physicochemical difference between isoleucine and phenylalanine.

NM_004260.4(RECQL4):c.1486A>T (p.Ile496Phe)

Gene: RECQL4 (RecQ like helicase 4; minus strand). Cytogenetic location: 8q24.3.
Variant type: single nucleotide variant.
Coding change: c.1486A>T on transcript NM_004260.4 (MANE Select); coding-DNA position 1486, A replaced by T.
Protein change: p.Ile496Phe; replaces isoleucine 496 with phenylalanine.
Molecular consequence: missense variant.
Genome position (GRCh38, 1-based): chr8:144,515,070, T>A on the plus strand (A>T on the coding strand, the complement: RECQL4 is on the minus strand). VCF-style: chr8-144515070-T-A. GRCh37 (hg19) VCF-style: chr8-145740454-T-A.
Other names: short protein forms I496F.
Identifiers: ClinVar variation 1052552 (VCV001052552.3), dbSNP rs2130704497, ClinGen allele CA372684367.
Genomic context (GRCh38, chr8:144,515,070, plus strand): 5'-CTGGGAGCTGGTAGCACAGGGACTTGCCGGCACCTGTAGGCAGCACCAGCAGCGTGGAGA[T>A]GCCTGGATGGGGCGGGAGTCAGCAGCAGGGTTCTGCAGCCTGGCCTCAGCCCAGCCTCAG-3'
Protein context (NP_004251.4, residues 486-506): ERAVMRILSG[Ile496Phe]STLLVLPTGA